The following is an entry in ClinVar:

ClinVar aggregate classification (germline): Likely pathogenic (1 of 4 stars; one submission).

Conditions:
Spastic paraplegia. Identifiers: MedGen C0037772, HP:0001258.

Submission:

Labcorp Genetics (formerly Invitae), Labcorp
Classification: Likely pathogenic for Spastic paraplegia. Last evaluated: 2025-12-23. Review status: criteria provided, single submitter. Criteria: Invitae Variant Classification Sherloc (09022015). Collection method: clinical testing. Allele origin: germline.
Comment: This sequence change affects a donor splice site in intron 19 of the KIF5A gene. It is expected to disrupt RNA splicing. Variants that disrupt the donor or acceptor splice site typically lead to a loss of protein function (PMID: 16199547), and loss-of-function variants in KIF5A are known to be pathogenic (PMID: 26374131). This variant is not present in population databases (gnomAD no frequency). This variant has not been reported in the literature in individuals affected with KIF5A-related conditions. ClinVar contains an entry for this variant (Variation ID: 3657624). Algorithms developed to predict the effect of sequence changes on RNA splicing suggest that this variant may disrupt the consensus splice site. In summary, the currently available evidence indicates that the variant is pathogenic, but additional data are needed to prove that conclusively. Therefore, this variant has been classified as Likely Pathogenic.

Literature cited by the submitters: PubMed 16199547; PubMed 26374131.

NM_004984.4(KIF5A):c.2198+1G>A

Gene: KIF5A (kinesin family member 5A; plus strand). Cytogenetic location: 12q13.3.
Variant type: single nucleotide variant.
Coding change: c.2198+1G>A on transcript NM_004984.4 (MANE Select); the canonical splice donor site of the intron after coding-DNA position 2198, G replaced by A.
Molecular consequence: splice donor variant.
Genome position (GRCh38, 1-based): chr12:57,576,379, G>A. VCF-style: chr12-57576379-G-A. GRCh37 (hg19) VCF-style: chr12-57970162-G-A.
Other names: c.1931+1G>A (NM_001354705.2).
Identifiers: ClinVar variation 3657624 (VCV003657624.2).
Genomic context (GRCh38, chr12:57,576,379, plus strand): 5'-GCTGGCCCGGCTCCGGGACGAGATCAACGAGAAGCAGAAGACCATTGATGAGCTCAAAGA[G>A]TAAGGGTTCCCAAGGGCGACTCCAGCCCCTCCCGGGTCCTGTCACCTTGCTGTATTGACT-3'